The following is an entry in ClinVar:

NM_000252.3(MTM1):c.5C>T (p.Ala2Val)

Gene: MTM1 (myotubularin 1; plus strand). Cytogenetic location: Xq28.
Variant type: single nucleotide variant.
Coding change: c.5C>T on transcript NM_000252.3 (MANE Select); coding-DNA position 5, C replaced by T.
Protein change: p.Ala2Val; replaces alanine 2 with valine.
Molecular consequence: missense variant.
Genome position (GRCh38, 1-based): chrX:150,592,619, C>T. VCF-style: chrX-150592619-C-T. GRCh37 (hg19) VCF-style: chrX-149761081-C-T.
Other names: c.5C>T, p.Ala2Val (NM_001376906.1, NM_001376907.1, NM_001376908.1); short protein forms A2V.
Identifiers: ClinVar variation 646347 (VCV000646347.1), dbSNP rs1603118990, ClinGen allele CA415248255.

ClinVar aggregate classification (germline): Uncertain significance (1 of 4 stars; one submission).

Conditions:
Severe X-linked myotubular myopathy (CNMX). Also called: MYOTUBULAR MYOPATHY 1; Myotubular myopathy, X-linked; X-linked centronuclear myopathy. Identifiers: Orphanet 596, MedGen C0410203, MONDO:0010683, OMIM 310400.

Submission:

Labcorp Genetics (formerly Invitae), Labcorp
Classification: Uncertain significance for Severe X-linked myotubular myopathy. Last evaluated: 2018-12-14. Review status: criteria provided, single submitter. Criteria: Invitae Variant Classification Sherloc (09022015). Collection method: clinical testing. Allele origin: germline.
Comment: This sequence change replaces alanine with valine at codon 2 of the MTM1 protein (p.Ala2Val). The alanine residue is moderately conserved and there is a small physicochemical difference between alanine and valine. This variant is not present in population databases (ExAC no frequency). This variant has not been reported in the literature in individuals with MTM1-related conditions. Algorithms developed to predict the effect of missense changes on protein structure and function are either unavailable or do not agree on the potential impact of this missense change (SIFT: "Deleterious"; PolyPhen-2: "Benign"; Align-GVGD: "Class C0"). In summary, the available evidence is currently insufficient to determine the role of this variant in disease. Therefore, it has been classified as a Variant of Uncertain Significance.